The following is an entry in ClinVar:

ClinVar aggregate classification (germline): Uncertain significance. Review status: criteria provided, multiple submitters, no conflicts (2 of 4 stars). 5 submissions from 5 submitters: Uncertain significance (5). Last evaluated 2025-05-29.

Conditions:
Dyskeratosis congenita. Identifiers: Orphanet 1775, MedGen C0265965, MONDO:0015780.
Cerebroretinal microangiopathy with calcifications and cysts 1 (CRMCC1). Identifiers: Orphanet 313838, MedGen C4552029, MONDO:0024564, OMIM 612199.
Inborn genetic diseases. Identifiers: MedGen C0950123, MeSH D030342.

Allele frequency attached by ClinVar (database versions not stated): gnomAD exomes 0.00010 and 0.00011; gnomAD 0.00002 and 0.00003; TOPMed 0.00003; ExAC 0.00010.
gnomAD v4.1: 153 of 1,610,376 alleles (0.0095%); highest among the groups gnomAD compares: Middle Eastern, 0.099%; no homozygotes.

Submissions (5):

Ambry Genetics
Classification: Uncertain significance for Inborn genetic diseases. Last evaluated: 2025-05-29. Review status: criteria provided, single submitter. Criteria: Ambry Variant Classification Scheme 2023. Collection method: clinical testing. Allele origin: germline.

Fulgent Genetics
Classification: Uncertain significance for Cerebroretinal microangiopathy with calcifications and cysts 1. Last evaluated: 2024-02-19. Review status: criteria provided, single submitter. Criteria: ACMG Guidelines, 2015. Collection method: clinical testing. Allele origin: germline.

Labcorp Genetics (formerly Invitae), Labcorp
Classification: Uncertain significance for Dyskeratosis congenita. Last evaluated: 2022-08-16. Review status: criteria provided, single submitter. Criteria: Invitae Variant Classification Sherloc (09022015). Collection method: clinical testing. Allele origin: germline.
Comment: This sequence change replaces arginine, which is basic and polar, with glutamine, which is neutral and polar, at codon 542 of the CTC1 protein (p.Arg542Gln). This variant is present in population databases (rs776684484, gnomAD 0.07%). This variant has not been reported in the literature in individuals affected with CTC1-related conditions. ClinVar contains an entry for this variant (Variation ID: 434849). Algorithms developed to predict the effect of missense changes on protein structure and function output the following: SIFT: "Tolerated"; PolyPhen-2: "Benign"; Align-GVGD: "Class C0". The glutamine amino acid residue is found in multiple mammalian species, which suggests that this missense change does not adversely affect protein function. In summary, the available evidence is currently insufficient to determine the role of this variant in disease. Therefore, it has been classified as a Variant of Uncertain Significance.

Genome-Nilou Lab
Classification: Uncertain significance for Cerebroretinal microangiopathy with calcifications and cysts 1. Last evaluated: 2021-07-15. Review status: criteria provided, single submitter. Criteria: ACMG Guidelines, 2015. Collection method: clinical testing. Allele origin: germline. Affected: no.

Genetic Services Laboratory, University of Chicago
Classification: Uncertain significance. Last evaluated: 2017-01-10. Review status: criteria provided, single submitter. Criteria: ACMG Guidelines, 2015. Collection method: clinical testing. Allele origin: germline. Affected: no.

NM_025099.6(CTC1):c.1625G>A (p.Arg542Gln)

Gene: CTC1 (CST telomere replication complex component 1; minus strand). Cytogenetic location: 17p13.1.
Variant type: single nucleotide variant.
Coding change: c.1625G>A on transcript NM_025099.6 (MANE Select); coding-DNA position 1625, G replaced by A.
Protein change: p.Arg542Gln; replaces arginine 542 with glutamine.
Molecular consequence: missense variant. On other transcripts: non-coding transcript variant (1).
Genome position (GRCh38, 1-based): chr17:8,234,648, C>T on the plus strand (G>A on the coding strand, the complement: CTC1 is on the minus strand). VCF-style: chr17-8234648-C-T. GRCh37 (hg19) VCF-style: chr17-8137966-C-T.
Other names: short protein forms R542Q.
Identifiers: ClinVar variation 434849 (VCV000434849.15), dbSNP rs776684484, ClinGen allele CA8372285.
Genomic context (GRCh38, chr17:8,234,648, plus strand): 5'-TTACGCTGTCCTTCTTCTTTCAGGGTGGCCAGAGTGGGGAAGGAGGAGGGAGTCTGCAGC[C>T]GAGTGTACTGTCAAGGAGGGAAGAGAAATCGGGTGTGTGTCCCATGGGCCCCAGGTGTCC-3'
Protein context (NP_079375.3, residues 532-552): PHHCPLQKYT[Arg542Gln]LQTPSSFPTL